The following is an entry in ClinVar:

ClinVar aggregate classification (germline): Pathogenic. Review status: criteria provided, multiple submitters, no conflicts (2 of 4 stars). 8 submissions from 7 submitters: Pathogenic (5). 3 of the submissions do not count toward it. Last evaluated 2025-10-12.

Conditions:
Amyotrophic lateral sclerosis type 8 (ALS8). Identifiers: Orphanet 803, MedGen C1837728, MONDO:0012077, OMIM 608627.
Adult-onset proximal spinal muscular atrophy, autosomal dominant. Also called: Spinal muscular atrophy, late-onset, finkel type; FINKEL LATE-ADULT TYPE SMA. Identifiers: Orphanet 209335, MedGen C1854058, MONDO:0008453, OMIM 182980.

Allele frequency attached by ClinVar (database versions not stated): gnomAD exomes below 0.00001.
gnomAD v4.1: 1 of 1,614,188 alleles (0.000062%); no homozygotes.

Submissions (8):

Labcorp Genetics (formerly Invitae), Labcorp
Classification: Pathogenic for Adult-onset proximal spinal muscular atrophy, autosomal dominant; Amyotrophic lateral sclerosis type 8. Last evaluated: 2025-10-12. Review status: criteria provided, single submitter. Criteria: Invitae Variant Classification Sherloc (09022015). Collection method: clinical testing. Allele origin: germline.
Comment: This sequence change replaces proline, which is neutral and non-polar, with serine, which is neutral and polar, at codon 56 of the VAPB protein (p.Pro56Ser). This variant is present in population databases (rs74315431, gnomAD no frequency). This missense change has been observed in individual(s) with late-onset spinal muscular atrophy, atypical amyotrophic lateral sclerosis, and typical amyotrophic lateral sclerosis (PMID: 15372378, 16187141, 16967488, 24212516, 26566915). It has also been observed to segregate with disease in related individuals. ClinVar contains an entry for this variant (Variation ID: 4806). Invitae Evidence Modeling of protein sequence and biophysical properties (such as structural, functional, and spatial information, amino acid conservation, physicochemical variation, residue mobility, and thermodynamic stability) indicates that this missense variant is expected to disrupt VAPB protein function with a positive predictive value of 80%. Experimental studies have shown that this missense change affects VAPB function (PMID: 15372378, 17804640, 20377183, 21275991, 21933185, 22258555, 22454507, 23771029). For these reasons, this variant has been classified as Pathogenic.

Revvity Omics, Revvity
Classification: Pathogenic. Last evaluated: 2021-07-07. Review status: criteria provided, single submitter. Criteria: ACMG Guidelines, 2015. Collection method: clinical testing. Allele origin: germline.

Mendelics
Classification: Pathogenic for Amyotrophic lateral sclerosis type 8. Last evaluated: 2019-05-28. Review status: criteria provided, single submitter. Criteria: Mendelics Assertion Criteria 2017. Collection method: clinical testing. Allele origin: unknown.

CeGaT Center for Human Genetics Tuebingen
Classification: Pathogenic. Last evaluated: 2019-02-01. Review status: criteria provided, single submitter. Criteria: CeGaT Center For Human Genetics Tuebingen Variant Classification Criteria Version 2. Collection method: clinical testing. Allele origin: germline. Affected: yes. Observed: 1 variant allele.

Athena Diagnostics
Classification: Pathogenic. Last evaluated: 2017-10-19. Review status: criteria provided, single submitter. Criteria: Athena Diagnostics Criteria. Collection method: clinical testing. Allele origin: germline.

OMIM
Classification: Pathogenic for AMYOTROPHIC LATERAL SCLEROSIS 8. Last evaluated: 2012-05-01. Review status: no assertion criteria provided. Collection method: literature only. Allele origin: germline. Not counted in ClinVar's aggregate classification.

OMIM
Classification: Pathogenic for SPINAL MUSCULAR ATROPHY, LATE-ONSET, FINKEL TYPE. Last evaluated: 2012-05-01. Review status: no assertion criteria provided. Collection method: literature only. Allele origin: germline. Not counted in ClinVar's aggregate classification.

UniProtKB/Swiss-Prot
No classification provided. Review status: no classification provided. Collection method: not provided. Allele origin: not provided. Not counted in ClinVar's aggregate classification.

Literature cited by the submitters: PubMed 15372378 (cited by 3 submitters); PubMed 16187141 (cited by Labcorp Genetics (formerly Invitae), Labcorp and OMIM); PubMed 16967488 (cited by Labcorp Genetics (formerly Invitae), Labcorp); PubMed 24212516 (cited by Labcorp Genetics (formerly Invitae), Labcorp and Athena Diagnostics); PubMed 26566915 (cited by Labcorp Genetics (formerly Invitae), Labcorp and Athena Diagnostics); PubMed 17804640 (cited by 3 submitters); PubMed 20377183 (cited by Labcorp Genetics (formerly Invitae), Labcorp and Athena Diagnostics); PubMed 21275991 (cited by Labcorp Genetics (formerly Invitae), Labcorp and Athena Diagnostics); PubMed 21933185 (cited by Labcorp Genetics (formerly Invitae), Labcorp and Athena Diagnostics); PubMed 22258555 (cited by 3 submitters); PubMed 22454507 (cited by Labcorp Genetics (formerly Invitae), Labcorp and Athena Diagnostics); PubMed 23771029 (cited by Labcorp Genetics (formerly Invitae), Labcorp and Athena Diagnostics); PubMed 20008544 (cited by Athena Diagnostics); PubMed 20447143 (cited by Athena Diagnostics); PubMed 23446633 (cited by Athena Diagnostics); PubMed 18677189 (cited by Athena Diagnostics); PubMed 21685205 (cited by Athena Diagnostics); PubMed 23333387 (cited by Athena Diagnostics); PubMed 19183264 (cited by Athena Diagnostics); PubMed 24681403 (cited by Athena Diagnostics); PubMed 27978769 (cited by Athena Diagnostics); PubMed 18322265 (cited by OMIM); PubMed 20577002 (cited by OMIM); PubMed 22131369 (cited by OMIM).

NM_004738.5(VAPB):c.166C>T (p.Pro56Ser)

Gene: VAPB (VAMP associated protein B and C; plus strand). Cytogenetic location: 20q13.32.
Variant type: single nucleotide variant.
Coding change: c.166C>T on transcript NM_004738.5 (MANE Select); coding-DNA position 166, C replaced by T.
Protein change: p.Pro56Ser; replaces proline 56 with serine.
Molecular consequence: missense variant. On other transcripts: non-coding transcript variant (1).
Genome position (GRCh38, 1-based): chr20:58,418,318, C>T. VCF-style: chr20-58418318-C-T. GRCh37 (hg19) VCF-style: chr20-56993374-C-T.
Other names: c.166C>T, p.Pro56Ser (NM_001195677.2); short protein forms P56S.
Identifiers: ClinVar variation 4806 (VCV000004806.58), dbSNP rs74315431, ClinGen allele CA117096.